The following is an entry in ClinVar:

ClinVar aggregate classification (germline): Uncertain significance (1 of 4 stars; one submission).

Conditions:
Pitt-Hopkins-like syndrome 2 (PTHSL2). Identifiers: Orphanet 221150, Orphanet 600663, MedGen C3280479, MONDO:0013690, OMIM 614325.

Allele frequency attached by ClinVar (database versions not stated): gnomAD 0.00001; TOPMed 0.00001.
gnomAD v4.1: 3 of 1,612,434 alleles (0.00019%); highest among the groups gnomAD compares: Non-Finnish European, 0.00025%; no homozygotes.

Submission:

Labcorp Genetics (formerly Invitae), Labcorp
Classification: Uncertain significance for Pitt-Hopkins-like syndrome 2. Last evaluated: 2022-10-10. Review status: criteria provided, single submitter. Criteria: Invitae Variant Classification Sherloc (09022015). Collection method: clinical testing. Allele origin: germline.
Comment: This variant is not present in population databases (gnomAD no frequency). This sequence change replaces isoleucine, which is neutral and non-polar, with phenylalanine, which is neutral and non-polar, at codon 1435 of the NRXN1 protein (p.Ile1435Phe). This variant has not been reported in the literature in individuals affected with NRXN1-related conditions. In summary, the available evidence is currently insufficient to determine the role of this variant in disease. Therefore, it has been classified as a Variant of Uncertain Significance. Advanced modeling of protein sequence and biophysical properties (such as structural, functional, and spatial information, amino acid conservation, physicochemical variation, residue mobility, and thermodynamic stability) performed at Invitae indicates that this missense variant is not expected to disrupt NRXN1 protein function.

NM_001330078.2(NRXN1):c.4183A>T (p.Ile1395Phe)

Gene: NRXN1 (neurexin 1; minus strand). Cytogenetic location: 2p16.3.
Variant type: single nucleotide variant.
Coding change: c.4183A>T on transcript NM_001330078.2 (MANE Select); coding-DNA position 4183, A replaced by T.
Protein change: p.Ile1395Phe; replaces isoleucine 1395 with phenylalanine.
Molecular consequence: missense variant.
Genome position (GRCh38, 1-based): chr2:49,943,737, T>A on the plus strand (A>T on the coding strand, the complement: NRXN1 is on the minus strand). VCF-style: chr2-49943737-T-A. GRCh37 (hg19) VCF-style: chr2-50170875-T-A.
Other names: c.4093A>T, p.Ile1365Phe (NM_004801.6); c.988A>T, p.Ile330Phe (NM_138735.5, NM_001330097.2); c.4183A>T, p.Ile1395Phe (NM_001330086.2); c.3982A>T, p.Ile1328Phe (NM_001330087.2, NM_001330096.2); c.4012A>T, p.Ile1338Phe (NM_001330088.2); c.1078A>T, p.Ile360Phe (NM_001330091.2, NM_001330092.2); c.4180A>T, p.Ile1394Phe (NM_001330093.2); c.4171A>T, p.Ile1391Phe (NM_001330094.2); and 7 more; short protein forms I1328F, I1338F, I1343F, I1348F, I1365F, I1373F, I1386F, I1387F.
Identifiers: ClinVar variation 1721416 (VCV001721416.5), dbSNP rs1311394203, ClinGen allele CA346818005.
Genomic context (GRCh38, chr2:49,943,737, plus strand): 5'-AGGAAGTAAGAAAAAAAGTTGACTAACCTAACCCACCTGAGCTCGGCTCACAGGGGTCAA[T>A]GTCCTCATCATCGCTGGGACACTCTGCTGAGGCCACAAGGATGTCATCTGTGGTCTGCAA-3'
Protein context (NP_001317007.1, residues 1385-1405): SAECPSDDED[Ile1395Phe]DPCEPSSGGL